The following is an entry in ClinVar:

NM_015559.3(SETBP1):c.3652G>C (p.Gly1218Arg)

Gene: SETBP1 (SET binding protein 1; plus strand). Cytogenetic location: 18q12.3.
Variant type: single nucleotide variant.
Coding change: c.3652G>C on transcript NM_015559.3 (MANE Select); coding-DNA position 3652, G replaced by C.
Protein change: p.Gly1218Arg; replaces glycine 1218 with arginine.
Molecular consequence: missense variant.
Genome position (GRCh38, 1-based): chr18:44,952,992, G>C. VCF-style: chr18-44952992-G-C. GRCh37 (hg19) VCF-style: chr18-42532957-G-C.
Other names: c.3652G>C (NM_015559.2); c.3652G>C, p.Gly1218Arg (NM_001379141.1, NM_001379142.1, NM_001410862.1); short protein forms G1218R.
Identifiers: ClinVar variation 2648694 (VCV002648694.25), dbSNP rs1193855934, ClinGen allele CA402324892.

ClinVar aggregate classification (germline): Uncertain significance. Review status: criteria provided, multiple submitters, no conflicts (2 of 4 stars). 2 submissions from 2 submitters: Uncertain significance (2). Last evaluated 2023-11-18.

Conditions:
Inborn genetic diseases. Identifiers: MedGen C0950123, MeSH D030342.

Submissions (2):

Ambry Genetics
Classification: Uncertain significance for Inborn genetic diseases. Last evaluated: 2023-11-18. Review status: criteria provided, single submitter. Criteria: Ambry Variant Classification Scheme 2023. Collection method: clinical testing. Allele origin: germline.

CeGaT Center for Human Genetics Tuebingen
Classification: Uncertain significance. Last evaluated: 2022-10-01. Review status: criteria provided, single submitter. Criteria: CeGaT Center For Human Genetics Tuebingen Variant Classification Criteria Version 2. Collection method: clinical testing. Allele origin: germline. Affected: yes. Observed: 1 variant allele.
Comment: SETBP1: PM2, BP4